The following is an entry in ClinVar:

NM_182961.4(SYNE1):c.3396-17T>A

Gene: SYNE1 (spectrin repeat containing nuclear envelope protein 1; minus strand). Cytogenetic location: 6q25.2.
Variant type: single nucleotide variant.
Coding change: c.3396-17T>A on transcript NM_182961.4 (MANE Select); 17 bases into the intron before coding-DNA position 3396, T replaced by A.
Molecular consequence: intron variant.
Genome position (GRCh38, 1-based): chr6:152,449,658, A>T on the plus strand (T>A on the coding strand, the complement: SYNE1 is on the minus strand). VCF-style: chr6-152449658-A-T. GRCh37 (hg19) VCF-style: chr6-152770793-A-T.
Other names: c.3417-17T>A (NM_033071.5).
Identifiers: ClinVar variation 384864 (VCV000384864.10), dbSNP rs144838502, ClinGen allele CA4058851.
Genomic context (GRCh38, chr6:152,449,658, plus strand): 5'-ATTGTGTCTCATTTGTAGATATCCAAGATGAGAACTCAGAGAATCTGAAATAACATAAGC[A>T]CTTTCTTATTAAAGGGAGAACATACCAGAATGATCAGAATATGTTTTCTATTTTGAATTC-3'

ClinVar aggregate classification (germline): Benign/Likely benign. Review status: criteria provided, multiple submitters, no conflicts (2 of 4 stars). 3 submissions from 3 submitters: Benign (1); Likely benign (2). Last evaluated 2026-01-04.

Conditions:
Autosomal recessive ataxia, Beauce type. Also called: SYNE1-Related Autosomal Recessive Cerebellar Ataxia; Spinocerebellar ataxia, autosomal recessive 8; SYNE1 Deficiency; ATAXIA, RECESSIVE, OF BEAUCE. Identifiers: Orphanet 88644, MedGen C1853116, MONDO:0012549, OMIM 610743.
Emery-Dreifuss muscular dystrophy 4, autosomal dominant (EDMD4). Also called: EMERY-DREIFUSS MUSCULAR DYSTROPHY 4 WITH VARIABLE FEATURES. Identifiers: Orphanet 261, MedGen C2751807, MONDO:0013071, OMIM 612998.

Allele frequency attached by ClinVar (database versions not stated): gnomAD exomes 0.00024 and 0.00084; gnomAD 0.00027 and 0.00038; TOPMed 0.00048; ExAC 0.00076; 1000 Genomes Project 30x 0.00265; 1000 Genomes Project 0.00300.
gnomAD v4.1: 395 of 1,563,024 alleles (0.025%); highest among the groups gnomAD compares: East Asian, 0.84%; 4 homozygotes.

Submissions (3):

Labcorp Genetics (formerly Invitae), Labcorp
Classification: Benign for Emery-Dreifuss muscular dystrophy 4, autosomal dominant; Autosomal recessive ataxia, Beauce type. Last evaluated: 2026-01-04. Review status: criteria provided, single submitter. Criteria: Invitae Variant Classification Sherloc (09022015). Collection method: clinical testing. Allele origin: germline.

Blueprint Genetics
Classification: Likely benign. Last evaluated: 2024-04-03. Review status: criteria provided, single submitter. Criteria: ACMG Guidelines, 2015. Collection method: clinical testing. Allele origin: germline.

GeneDx
Classification: Likely benign. Last evaluated: 2018-02-09. Review status: criteria provided, single submitter. Criteria: GeneDx Variant Classification (06012015). Collection method: clinical testing. Allele origin: germline. Affected: yes.
Comment: This variant is considered likely benign or benign based on one or more of the following criteria: it is a conservative change, it occurs at a poorly conserved position in the protein, it is predicted to be benign by multiple in silico algorithms, and/or has population frequency not consistent with disease.